The following is an entry in ClinVar:

NM_004100.5(EYA4):c.30A>G (p.Gln10=)

Gene: EYA4 (EYA transcriptional coactivator and phosphatase 4; plus strand). Cytogenetic location: 6q23.2.
Variant type: single nucleotide variant.
Coding change: c.30A>G on transcript NM_004100.5 (MANE Select); coding-DNA position 30, A replaced by G.
Protein change: p.Gln10=; no amino-acid change (glutamine 10 retained).
Molecular consequence: synonymous variant.
Genome position (GRCh38, 1-based): chr6:133,274,810, A>G. VCF-style: chr6-133274810-A-G. GRCh37 (hg19) VCF-style: chr6-133595948-A-G.
Other names: c.30A>G, p.Gln10= (NM_001301012.2, NM_001301013.2, NM_001370458.1 and 3 more transcripts).
Identifiers: ClinVar variation 410662 (VCV000410662.9), dbSNP rs1060502996, ClinGen allele CA16612110.

ClinVar aggregate classification (germline): Uncertain significance (1 of 4 stars; one submission).

Conditions:
Dilated cardiomyopathy 1J (CMD1J). Also called: CARDIOMYOPATHY, DILATED, WITH SENSORINEURAL HEARING LOSS, AUTOSOMAL DOMINANT. Identifiers: Orphanet 217622, MedGen C1854368, MONDO:0011541, OMIM 605362.

Submission:

Labcorp Genetics (formerly Invitae), Labcorp
Classification: Uncertain significance for Dilated cardiomyopathy 1J. Last evaluated: 2016-11-22. Review status: criteria provided, single submitter. Criteria: Invitae Variant Classification Sherloc (09022015). Collection method: clinical testing. Allele origin: germline.
Comment: This sequence change affects codon 10 of the EYA4 mRNA. It is a 'silent' change, meaning that it does not change the encoded amino acid sequence of the EYA4 protein. This variant is not present in population databases (ExAC no frequency) and has not been reported in the literature in individuals with a EYA4-related disease. Algorithms developed to predict the effect of sequence changes on mRNA splicing suggest that this variant may alter RNA splicing, but this prediction has not been confirmed by published transcriptional studies. In summary, this variant is a novel intronic change with uncertain impact on splicing. It has been classified as a Variant of Uncertain Significance.